The following is an entry in ClinVar:

ClinVar aggregate classification (germline): Conflicting classifications of pathogenicity. Review status: criteria provided, conflicting classifications (1 of 4 stars). 8 submissions from 8 submitters: Uncertain significance (1); Benign (2); Likely benign (5). Last evaluated 2025-10-13.

Conditions:
MTMR2-related disorder. Also called: MTMR2-related condition.
Charcot-Marie-Tooth disease type 4B1. Also called: CHARCOT-MARIE-TOOTH DISEASE, DEMYELINATING, TYPE 4B1; CHARCOT-MARIE-TOOTH DISEASE, AUTOSOMAL RECESSIVE, WITH FOCALLY FOLDED MYELIN SHEATHS, AUTOSOMAL RECESSIVE, TYPE 4B1; CHARCOT-MARIE-TOOTH DISEASE, TYPE 4B; Charcot-Marie-Tooth Neuropathy Type 4B1. Identifiers: Orphanet 99955, MedGen C1832399, MONDO:0011066, OMIM 601382.
Inborn genetic diseases. Identifiers: MedGen C0950123, MeSH D030342.
Charcot-Marie-Tooth disease. Also called: Charcot-Marie-Tooth Neuropathy; Charcot-Marie-Tooth Hereditary Neuropathy. Identifiers: Orphanet 166, MedGen C0007959, MONDO:0015626.
Charcot-Marie-Tooth disease type 4. Also called: Charcot-Marie-Tooth disease, type IV; Charcot-Marie-Tooth, Type 4. Identifiers: Orphanet 64749, MedGen C4082197, MONDO:0018995.

Allele frequency attached by ClinVar (database versions not stated): gnomAD 0.00002 and 0.00020; 1000 Genomes Project 30x 0.00047; 1000 Genomes Project 0.00060.
gnomAD v4.1: 493 of 1,613,072 alleles (0.031%); highest among the groups gnomAD compares: South Asian, 0.49%; 2 homozygotes.

Submissions (8):

Labcorp Genetics (formerly Invitae), Labcorp
Classification: Benign for Charcot-Marie-Tooth disease type 4. Last evaluated: 2025-10-13. Review status: criteria provided, single submitter. Criteria: Invitae Variant Classification Sherloc (09022015). Collection method: clinical testing. Allele origin: germline.

PreventionGenetics, part of Exact Sciences
Classification: Likely benign for MTMR2-related condition. Last evaluated: 2025-06-24. Review status: criteria provided, single submitter. Criteria: ACMG Guidelines, 2015. Collection method: clinical testing. Allele origin: germline.
Comment: This variant is classified as likely benign based on ACMG/AMP sequence variant interpretation guidelines (Richards et al. 2015 PMID: 25741868, with internal and published modifications).

Athena Diagnostics
Classification: Benign. Last evaluated: 2024-05-07. Review status: criteria provided, single submitter. Criteria: Athena Diagnostics Criteria. Collection method: clinical testing. Allele origin: unknown.

Ambry Genetics
Classification: Likely benign for Inborn genetic diseases. Last evaluated: 2020-07-22. Review status: criteria provided, single submitter. Criteria: Ambry Variant Classification Scheme 2023. Collection method: clinical testing. Allele origin: germline.

GeneDx
Classification: Likely benign. Last evaluated: 2019-03-25. Review status: criteria provided, single submitter. Criteria: GeneDx Variant Classification Process June 2021. Collection method: clinical testing. Allele origin: germline. Affected: yes.
Comment: See Variant Classification Assertion Criteria.

Illumina Laboratory Services, Illumina
Classification: Likely benign for Charcot-Marie-Tooth disease type 4B1. Last evaluated: 2018-01-13. Review status: criteria provided, single submitter. Criteria: ICSL Variant Classification Criteria 13 December 2019. Collection method: clinical testing. Allele origin: germline.
Comment: This variant was observed in the ICSL laboratory as part of a predisposition screen in an ostensibly healthy population. It had not been previously curated by ICSL or reported in the Human Gene Mutation Database (HGMD: prior to June 1st, 2018), and was therefore a candidate for classification through an automated scoring system. Utilizing variant allele frequency, disease prevalence and penetrance estimates, and inheritance mode, an automated score was calculated to assess if this variant is too frequent to cause the disease. Based on the score and internal cut-off values, a variant classified as likely benign is not then subjected to further curation. The score for this variant resulted in a classification of likely benign for this disease.

CeGaT Center for Human Genetics Tuebingen
Classification: Uncertain significance. Last evaluated: 2017-05-01. Review status: criteria provided, single submitter. Criteria: CeGaT Center For Human Genetics Tuebingen Variant Classification Criteria Version 2. Collection method: clinical testing. Allele origin: germline. Affected: yes. Observed: 1 variant allele.

Molecular Genetics Laboratory, London Health Sciences Centre
Classification: Likely benign for Charcot-Marie-Tooth disease. Review status: criteria provided, single submitter. Criteria: ACMG Guidelines, 2015. Collection method: clinical testing. Allele origin: germline. Affected: yes.

Literature cited by the submitters: PubMed 32376792 (cited by Athena Diagnostics).

NM_016156.6(MTMR2):c.1862G>A (p.Arg621Gln)

Gene: MTMR2 (myotubularin related protein 2; minus strand). Cytogenetic location: 11q21.
Variant type: single nucleotide variant.
Coding change: c.1862G>A on transcript NM_016156.6 (MANE Select); coding-DNA position 1862, G replaced by A.
Protein change: p.Arg621Gln; replaces arginine 621 with glutamine.
Molecular consequence: missense variant.
Genome position (GRCh38, 1-based): chr11:95,835,360, C>T on the plus strand (G>A on the coding strand, the complement: MTMR2 is on the minus strand). VCF-style: chr11-95835360-C-T. GRCh37 (hg19) VCF-style: chr11-95568524-C-T.
Other names: c.1646G>A, p.Arg549Gln (NM_001243571.2, NM_201278.3, NM_201281.3); short protein forms R621Q, R549Q.
Identifiers: ClinVar variation 306533 (VCV000306533.62), dbSNP rs371925152, ClinGen allele CA6239834.